The following is an entry in ClinVar:

ClinVar aggregate classification (germline): Uncertain significance (1 of 4 stars; one submission).

Conditions:
Heterotaxy, visceral, 4, autosomal (HTX4). Identifiers: Orphanet 450, MedGen C3151057, MONDO:0013403, OMIM 613751.

Allele frequency attached by ClinVar (database versions not stated): gnomAD exomes 0.00001; gnomAD 0.00002; TOPMed 0.00002.
gnomAD v4.1: 25 of 1,613,022 alleles (0.0015%); highest among the groups gnomAD compares: Non-Finnish European, 0.0019%; no homozygotes.

Submission:

Labcorp Genetics (formerly Invitae), Labcorp
Classification: Uncertain significance for Heterotaxy, visceral, 4, autosomal. Last evaluated: 2025-02-06. Review status: criteria provided, single submitter. Criteria: Invitae Variant Classification Sherloc (09022015). Collection method: clinical testing. Allele origin: germline.
Comment: This sequence change replaces isoleucine, which is neutral and non-polar, with threonine, which is neutral and polar, at codon 384 of the ACVR2B protein (p.Ile384Thr). This variant is present in population databases (no rsID available, gnomAD 0.004%). This variant has not been reported in the literature in individuals affected with ACVR2B-related conditions. ClinVar contains an entry for this variant (Variation ID: 2164559). Invitae Evidence Modeling of protein sequence and biophysical properties (such as structural, functional, and spatial information, amino acid conservation, physicochemical variation, residue mobility, and thermodynamic stability) indicates that this missense variant is expected to disrupt ACVR2B protein function with a positive predictive value of 95%. In summary, the available evidence is currently insufficient to determine the role of this variant in disease. Therefore, it has been classified as a Variant of Uncertain Significance.

NM_001106.4(ACVR2B):c.1151T>C (p.Ile384Thr)

Gene: ACVR2B (activin A receptor type 2B; plus strand). Cytogenetic location: 3p22.2.
Variant type: single nucleotide variant.
Coding change: c.1151T>C on transcript NM_001106.4 (MANE Select); coding-DNA position 1151, T replaced by C.
Protein change: p.Ile384Thr; replaces isoleucine 384 with threonine.
Molecular consequence: missense variant.
Genome position (GRCh38, 1-based): chr3:38,482,274, T>C. VCF-style: chr3-38482274-T-C. GRCh37 (hg19) VCF-style: chr3-38523765-T-C.
Other names: short protein forms I384T.
Identifiers: ClinVar variation 2164559 (VCV002164559.4), dbSNP rs1249314121, ClinGen allele CA352134080.